The following is an entry in ClinVar:

NM_001370466.1(NOD2):c.1322G>A (p.Arg441His)

Gene: NOD2 (nucleotide binding oligomerization domain containing 2; plus strand). Cytogenetic location: 16q12.1.
Variant type: single nucleotide variant.
Coding change: c.1322G>A on transcript NM_001370466.1 (MANE Select); coding-DNA position 1322, G replaced by A.
Protein change: p.Arg441His; replaces arginine 441 with histidine.
Molecular consequence: missense variant. On other transcripts: non-coding transcript variant (1).
Genome position (GRCh38, 1-based): chr16:50,711,314, G>A. VCF-style: chr16-50711314-G-A. GRCh37 (hg19) VCF-style: chr16-50745225-G-A.
Other names: c.1322G>A, p.Arg441His (NM_001293557.2); c.1403G>A, p.Arg468His (NM_022162.3); short protein forms R441H, R468H.
Identifiers: ClinVar variation 961037 (VCV000961037.14), dbSNP rs775728252, ClinGen allele CA8051540.

ClinVar aggregate classification (germline): Conflicting classifications of pathogenicity. Review status: criteria provided, conflicting classifications (1 of 4 stars). 3 submissions from 3 submitters: Uncertain significance (2); Likely benign (1). Last evaluated 2025-09-09.

Conditions:
Autoinflammatory syndrome. Identifiers: Orphanet 93665, MedGen C3890737, MONDO:0019751.
Blau syndrome (BLAUS). Also called: GRANULOMATOSIS, FAMILIAL JUVENILE SYSTEMIC; GRANULOMATOSIS, FAMILIAL, BLAU TYPE; GRANULOMATOUS INFLAMMATORY ARTHRITIS, DERMATITIS, AND UVEITIS, FAMILIAL; JABS SYNDROME; ARTHROCUTANEOUVEAL GRANULOMATOSIS. Identifiers: Orphanet 90340, MedGen C5201146, MONDO:0008523, OMIM 186580.
Regional enteritis. Also called: Enteritis, Granulomatous. Identifiers: MedGen C0678202, MeSH D003424.

Allele frequency attached by ClinVar (database versions not stated): ExAC 0.00001; gnomAD exomes 0.00001; gnomAD 0.00003 and 0.00004; TOPMed 0.00003.
gnomAD v4.1: 17 of 1,613,468 alleles (0.0011%); highest among the groups gnomAD compares: Admixed American, 0.0067%; no homozygotes.

Submissions (3):

Labcorp Genetics (formerly Invitae), Labcorp
Classification: Uncertain significance for Regional enteritis; Blau syndrome. Last evaluated: 2025-09-09. Review status: criteria provided, single submitter. Criteria: Invitae Variant Classification Sherloc (09022015). Collection method: clinical testing. Allele origin: germline.
Comment: This sequence change replaces arginine, which is basic and polar, with histidine, which is basic and polar, at codon 468 of the NOD2 protein (p.Arg468His). The frequency data for this variant in the population databases is considered unreliable, as metrics indicate poor data quality at this position in the gnomAD database. This variant has not been reported in the literature in individuals affected with NOD2-related conditions. ClinVar contains an entry for this variant (Variation ID: 961037). Invitae Evidence Modeling of protein sequence and biophysical properties (such as structural, functional, and spatial information, amino acid conservation, physicochemical variation, residue mobility, and thermodynamic stability) indicates that this missense variant is not expected to disrupt NOD2 protein function with a negative predictive value of 95%. In summary, the available evidence is currently insufficient to determine the role of this variant in disease. Therefore, it has been classified as a Variant of Uncertain Significance.

Blueprint Genetics
Classification: Uncertain significance. Last evaluated: 2022-07-22. Review status: criteria provided, single submitter. Criteria: ACMG Guidelines, 2015. Collection method: clinical testing. Allele origin: germline.

Genome Diagnostics Laboratory, The Hospital for Sick Children
Classification: Likely benign for Autoinflammatory syndrome. Last evaluated: 2021-05-31. Review status: criteria provided, single submitter. Criteria: ACMG Guidelines, 2015. Collection method: clinical testing. Allele origin: germline. Affected: yes.